The following is an entry in ClinVar:

NM_177438.3(DICER1):c.622T>A (p.Ser208Thr)

Gene: DICER1 (dicer 1, ribonuclease III; minus strand). Cytogenetic location: 14q32.13.
Variant type: single nucleotide variant.
Coding change: c.622T>A on transcript NM_177438.3 (MANE Select); coding-DNA position 622, T replaced by A.
Protein change: p.Ser208Thr; replaces serine 208 with threonine.
Molecular consequence: missense variant. On other transcripts: 5 prime UTR variant (1), non-coding transcript variant (6).
Genome position (GRCh38, 1-based): chr14:95,129,584, A>T on the plus strand (T>A on the coding strand, the complement: DICER1 is on the minus strand). VCF-style: chr14-95129584-A-T. GRCh37 (hg19) VCF-style: chr14-95595921-A-T.
Other names: c.622T>A, p.Ser208Thr (NM_001195573.1, NM_001271282.3, NM_001291628.2 and 15 more transcripts); c.340T>A, p.Ser114Thr (NM_001395686.1); c.217T>A, p.Ser73Thr (NM_001395687.1, NM_001395688.1, NM_001395689.1 and 3 more transcripts); c.55T>A, p.Ser19Thr (NM_001395691.1); c.-947T>A (NM_001395697.1); short protein forms S114T, S19T, S208T, S73T.
Identifiers: ClinVar variation 2681883 (VCV002681883.4), dbSNP rs2543283791, ClinGen allele CA390888211.

ClinVar aggregate classification (germline): Uncertain significance. Review status: criteria provided, multiple submitters, no conflicts (2 of 4 stars). 2 submissions from 2 submitters: Uncertain significance (2). Last evaluated 2022-12-14.

Conditions:
DICER1-related tumor predisposition. Also called: DICER1-related pleuropulmonary blastoma cancer predisposition syndrome; DICER1 syndrome. Identifiers: Orphanet 284343, MedGen C3839822, MONDO:0100216.

Submissions (2):

Labcorp Genetics (formerly Invitae), Labcorp
Classification: Uncertain significance for DICER1-related tumor predisposition. Last evaluated: 2022-12-14. Review status: criteria provided, single submitter. Criteria: Invitae Variant Classification Sherloc (09022015). Collection method: clinical testing. Allele origin: germline.
Comment: In summary, the available evidence is currently insufficient to determine the role of this variant in disease. Therefore, it has been classified as a Variant of Uncertain Significance. Advanced modeling of protein sequence and biophysical properties (such as structural, functional, and spatial information, amino acid conservation, physicochemical variation, residue mobility, and thermodynamic stability) performed at Invitae indicates that this missense variant is not expected to disrupt DICER1 protein function. This variant has not been reported in the literature in individuals affected with DICER1-related conditions. This variant is not present in population databases (gnomAD no frequency). This sequence change replaces serine, which is neutral and polar, with threonine, which is neutral and polar, at codon 208 of the DICER1 protein (p.Ser208Thr).

Quest Diagnostics Nichols Institute San Juan Capistrano
Classification: Uncertain significance. Last evaluated: 2022-11-04. Review status: criteria provided, single submitter. Criteria: Quest Diagnostics criteria. Collection method: clinical testing. Allele origin: unknown.
Comment: This variant has not been reported in the published literature. It also has not been reported in large, multi-ethnic general populations. Analysis of this variant using bioinformatics tools for the prediction of the effect of amino acid changes on protein structure and function yielded conflicting predictions that this variant is benign or damaging. Based on the available information, we are unable to determine the clinical significance of this variant.